The following is an entry in ClinVar:

ClinVar aggregate classification (germline): Uncertain significance. Review status: criteria provided, multiple submitters, no conflicts (2 of 4 stars). 2 submissions from 2 submitters: Uncertain significance (2). Last evaluated 2024-05-01.

Conditions:
Ectodermal dysplasia-syndactyly syndrome 1 (EDSS1). Identifiers: Orphanet 247820, MedGen C3150807, MONDO:0024565, OMIM 613573.

Allele frequency attached by ClinVar (database versions not stated): gnomAD 0.00001; TOPMed 0.00001; 1000 Genomes Project 30x 0.00016; 1000 Genomes Project 0.00020.

Submissions (2):

Labcorp Genetics (formerly Invitae), Labcorp
Classification: Uncertain significance. Last evaluated: 2024-05-01. Review status: criteria provided, single submitter. Criteria: Invitae Variant Classification Sherloc (09022015). Collection method: clinical testing. Allele origin: germline.
Comment: This sequence change replaces threonine, which is neutral and polar, with methionine, which is neutral and non-polar, at codon 497 of the NECTIN4 protein (p.Thr497Met). This variant is present in population databases (rs573511829, gnomAD 0.01%). This variant has not been reported in the literature in individuals affected with NECTIN4-related conditions. ClinVar contains an entry for this variant (Variation ID: 2434319). An algorithm developed to predict the effect of missense changes on protein structure and function (PolyPhen-2) suggests that this variant is likely to be disruptive. In summary, the available evidence is currently insufficient to determine the role of this variant in disease. Therefore, it has been classified as a Variant of Uncertain Significance.

Revvity Omics, Revvity
Classification: Uncertain significance for Ectodermal dysplasia-syndactyly syndrome 1. Last evaluated: 2022-12-15. Review status: criteria provided, single submitter. Criteria: ACMG Guidelines, 2015. Collection method: clinical testing. Allele origin: germline.

NM_030916.3(NECTIN4):c.1490C>T (p.Thr497Met)

Gene: NECTIN4 (nectin cell adhesion molecule 4; minus strand). Cytogenetic location: 1q23.3.
Variant type: single nucleotide variant.
Coding change: c.1490C>T on transcript NM_030916.3 (MANE Select); coding-DNA position 1490, C replaced by T.
Protein change: p.Thr497Met; replaces threonine 497 with methionine.
Molecular consequence: missense variant.
Genome position (GRCh38, 1-based): chr1:161,072,704, G>A on the plus strand (C>T on the coding strand, the complement: NECTIN4 is on the minus strand). VCF-style: chr1-161072704-G-A. GRCh37 (hg19) VCF-style: chr1-161042494-G-A.
Other names: short protein forms T497M.
Identifiers: ClinVar variation 2434319 (VCV002434319.5), dbSNP rs573511829, ClinGen allele CA1204781.